The following is an entry in ClinVar:

NM_000051.4(ATM):c.3555_3558del (p.Leu1185fs)

Gene: ATM (ATM serine/threonine kinase; plus strand). Cytogenetic location: 11q22.3.
Variant type: Deletion.
Coding change: c.3555_3558del on transcript NM_000051.4 (MANE Select); coding-DNA positions 3555 to 3558, 4 bases deleted (AGAA; older notation c.3555_3558delAGAA).
Protein change: p.Leu1185fs; shifts the reading frame from leucine 1185.
Molecular consequence: frameshift variant.
Genome position (GRCh38, 1-based): chr11:108,281,147-108,281,150, AGAA deleted. VCF-style (leftmost placement, unchanged base first): chr11-108281146-TAGAA-T. GRCh37 (hg19) VCF-style: chr11-108151873-TAGAA-T.
Other names: c.3555_3558del, p.Leu1185fs (NM_001351834.2); short protein forms L1185fs.
Identifiers: ClinVar variation 4168542 (VCV004168542.1).

ClinVar aggregate classification (germline): Pathogenic (1 of 4 stars; one submission).

Conditions:
Hereditary cancer-predisposing syndrome. Also called: Neoplastic Syndromes, Hereditary; Tumor predisposition; Hereditary Cancer Syndrome; Hereditary neoplastic syndrome. Identifiers: Orphanet 140162, MedGen C0027672, MeSH D009386, MONDO:0015356.

Submission:

Ambry Genetics
Classification: Pathogenic for Hereditary cancer-predisposing syndrome. Last evaluated: 2025-06-23. Review status: criteria provided, single submitter. Criteria: Ambry Variant Classification Scheme 2023. Collection method: clinical testing. Allele origin: germline.
Comment: The c.3555_3558delAGAA pathogenic mutation, located in coding exon 23 of the ATM gene, results from a deletion of 4 nucleotides at nucleotide positions 3555 to 3558, causing a translational frameshift with a predicted alternate stop codon (p.L1185Ffs*5). This variant is considered to be rare based on population cohorts in the Genome Aggregation Database (gnomAD). This alteration is expected to result in loss of function by premature protein truncation or nonsense-mediated mRNA decay. As such, this alteration is interpreted as a disease-causing mutation.